The following is an entry in ClinVar:

ClinVar aggregate classification (germline): Uncertain significance (1 of 4 stars; one submission).

Submission:

Labcorp Genetics (formerly Invitae), Labcorp
Classification: Uncertain significance. Last evaluated: 2024-04-22. Review status: criteria provided, single submitter. Criteria: Invitae Variant Classification Sherloc (09022015). Collection method: clinical testing. Allele origin: germline.
Comment: This sequence change replaces glycine, which is neutral and non-polar, with aspartic acid, which is acidic and polar, at codon 884 of the PCDH12 protein (p.Gly884Asp). This variant is not present in population databases (gnomAD no frequency). This variant has not been reported in the literature in individuals affected with PCDH12-related conditions. ClinVar contains an entry for this variant (Variation ID: 1353203). Advanced modeling of protein sequence and biophysical properties (such as structural, functional, and spatial information, amino acid conservation, physicochemical variation, residue mobility, and thermodynamic stability) performed at Invitae indicates that this missense variant is not expected to disrupt PCDH12 protein function with a negative predictive value of 95%. In summary, the available evidence is currently insufficient to determine the role of this variant in disease. Therefore, it has been classified as a Variant of Uncertain Significance.

NM_016580.4(PCDH12):c.2651G>A (p.Gly884Asp)

Genes: PCDH12 (protocadherin 12; minus strand), RNF14 (ring finger protein 14; plus strand). Cytogenetic location: 5q31.3.
Variant type: single nucleotide variant.
Coding change: c.2651G>A on transcript NM_016580.4 (MANE Select); coding-DNA position 2651, G replaced by A.
Protein change: p.Gly884Asp; replaces glycine 884 with aspartic acid.
Molecular consequence: missense variant.
Genome position (GRCh38, 1-based): chr5:141,955,201, C>T on the plus strand (G>A on the coding strand, the complement: PCDH12 is on the minus strand). VCF-style: chr5-141955201-C-T. GRCh37 (hg19) VCF-style: chr5-141334766-C-T.
Other names: short protein forms G884D.
Identifiers: ClinVar variation 1353203 (VCV001353203.6), dbSNP rs2126926933, ClinGen allele CA361572359.